The following is an entry in ClinVar:

NM_004174.4(SLC9A3):c.1052dup (p.Met352fs)

Gene: SLC9A3 (solute carrier family 9 member A3). Cytogenetic location: 5p15.33.
Variant type: Duplication.
Coding change: c.1052dup on transcript NM_004174.4 (MANE Select); coding-DNA position 1052, one base duplicated.
Protein change: p.Met352fs; shifts the reading frame from methionine 352.
Molecular consequence: frameshift variant.
Genome position: GRCh38 VCF-style: chr5-483362-G-GA. GRCh37 (hg19) VCF-style: chr5-483477-G-GA.
Other names: c.1052dup, p.Met352fs (NM_001284351.3); short protein forms M352fs.
Identifiers: ClinVar variation 3255341 (VCV003255341.1).
Genomic context (GRCh38, chr5:483,362, plus strand): 5'-CACGAAGGCCGTGTTCCAGGTCCAGATGAACGGGTTCACGGCCGAGATACCCAGGAACAT[G>GA]AAGATGATGGTCTCGGCGCTGCTGGCCAGCATCTTCATGGTGTAGCGCACGGTGGTGGCC-3'

ClinVar aggregate classification (germline): Pathogenic (1 of 4 stars; one submission).

Conditions:
Congenital secretory sodium diarrhea 8. Identifiers: Orphanet 103908, MedGen C5441928, MONDO:0014808, OMIM 616868.

Submission:

Aleixo Muise Laboratory, Hospital For Sick Children
Classification: Pathogenic for Congenital secretory sodium diarrhea 8. Last evaluated: 2024-07-05. Review status: criteria provided, single submitter. Criteria: ACMG Guidelines, 2015. Collection method: research. Allele origin: germline. Affected: yes. Observed: 1 variant allele.
Comment: PVS1;PM2;PM5;PP3;PP4